The following is an entry in ClinVar:

NM_001277.3(CHKA):c.611G>T (p.Arg204Leu)

Gene: CHKA (choline kinase alpha; minus strand). Cytogenetic location: 11q13.2.
Variant type: single nucleotide variant.
Coding change: c.611G>T on transcript NM_001277.3 (MANE Select); coding-DNA position 611, G replaced by T.
Protein change: p.Arg204Leu; replaces arginine 204 with leucine.
Molecular consequence: missense variant. On other transcripts: non-coding transcript variant (1), intron variant (1).
Genome position (GRCh38, 1-based): chr11:68,074,736, C>A on the plus strand (G>T on the coding strand, the complement: CHKA is on the minus strand). VCF-style: chr11-68074736-C-A. GRCh37 (hg19) VCF-style: chr11-67842203-C-A.
Other names: c.641G>T, p.Arg214Leu (NM_001376219.1); c.245G>T, p.Arg82Leu (NM_001376221.1); c.191G>T, p.Arg64Leu (NM_001376222.1); c.557G>T, p.Arg186Leu (NM_212469.2); c.517-3879G>T (NM_001376220.1); short protein forms R186L, R204L, R214L, R64L, R82L.
Identifiers: ClinVar variation 3775715 (VCV003775715.1).

ClinVar aggregate classification (germline): Uncertain significance (1 of 4 stars; one submission).

Conditions:
Neurodevelopmental disorder with microcephaly, movement abnormalities, and seizures (NEDMIMS). Identifiers: MedGen C5774208, MONDO:0859282, OMIM 620023.

Submission:

3billion
Classification: Uncertain significance for Neurodevelopmental disorder with microcephaly, movement abnormalities, and seizures. Last evaluated: 2023-06-30. Review status: criteria provided, single submitter. Criteria: ACMG Guidelines, 2015. Collection method: clinical testing. Allele origin: germline. Affected: yes.
Comment: The variant is not observed in the gnomAD v2.1.1 dataset. Predicted Consequence/Location: Missense changes are a common disease-causing mechanism. In silico tool predictions suggest damaging effect of the variant on gene or gene product (REVEL: 0.55; 3Cnet: 0.94). Therefore, this variant is classified as VUS according to the recommendation of ACMG/AMP guideline.